The following is an entry in ClinVar:

ClinVar aggregate classification (germline): Uncertain significance (1 of 4 stars; one submission).

Conditions:
Deficiency of steroid 11-beta-monooxygenase (CYP11B1). Also called: P450C11B1 DEFICIENCY; STEROID 11-BETA-HYDROXYLASE DEFICIENCY; ADRENAL HYPERPLASIA, CONGENITAL, DUE TO STEROID 11-BETA-HYDROXYLASE DEFICIENCY; Congenital adrenal hyperplasia due to 11-beta-hydroxylase deficiency; 11-BETA-HYDROXYLASE DEFICIENCY; ADRENAL HYPERPLASIA IV. Identifiers: Orphanet 90795, MedGen C0268292, MONDO:0008729, OMIM 202010. Disease mechanism: loss of function.

gnomAD v4.1: 26 of 1,613,910 alleles (0.0016%); highest among the groups gnomAD compares: South Asian, 0.019%; 1 homozygote.

Submission:

Diagnostics Services (NGS), CSIR - Centre For Cellular And Molecular Biology
Classification: Uncertain significance for Deficiency of steroid 11-beta-monooxygenase. Last evaluated: 2025-08-21. Review status: criteria provided, single submitter. Criteria: ACMG Guidelines, 2015. Collection method: clinical testing. Allele origin: germline. Affected: yes. Observed: 1 variant allele, 1 homozygote.
Comment: The c.1097G>A variant is not present in publicly available population databases like 1000 Genomes, Indian Exome Database or our internal database. This variant is present in EVS and gnomAD, at low frequencies. This variant has neither been published in the literature for CYP11B1-related conditions nor reported to clinical databases like Human Genome Mutation Database (HGMD), ClinVar or OMIM in any affected individuals. In-silico pathogenicity prediction programs like Polyphen-2, CADD, Franklin, etc predicted this variant to be likely deleterious however these predictions were not confirmed by published functional studies. This variant is located in a mutational hotspot region of the gene and a different amino acid change in the same codon (Arg366Cys) has been previously observed in a patient with 11-beta-hydroxylase deficiency [PMID: 20089618].

Literature cited by the submitters: PubMed 20089618.

NM_000497.4(CYP11B1):c.1097G>A (p.Arg366His)

Genes: CYP11B1 (cytochrome P450 family 11 subfamily B member 1; minus strand), LOC106799833 (CYP11B1 recombination region; plus strand). Cytogenetic location: 8q24.3.
Variant type: single nucleotide variant.
Coding change: c.1097G>A on transcript NM_000497.4 (MANE Select); coding-DNA position 1097, G replaced by A.
Protein change: p.Arg366His; replaces arginine 366 with histidine.
Molecular consequence: missense variant.
Genome position (GRCh38, 1-based): chr8:142,875,736, C>T on the plus strand (G>A on the coding strand, the complement: CYP11B1 is on the minus strand). VCF-style: chr8-142875736-C-T. GRCh37 (hg19) VCF-style: chr8-143957152-C-T.
Other names: c.1097G>A, p.Arg366His (NM_001026213.1); short protein forms R366H.
Identifiers: ClinVar variation 4279592 (VCV004279592.1).